The following is an entry in ClinVar:

ClinVar aggregate classification (germline): Uncertain significance. Review status: criteria provided, multiple submitters, no conflicts (2 of 4 stars). 2 submissions from 2 submitters: Uncertain significance (2). Last evaluated 2025-02-10.

Conditions:
Blau syndrome (BLAUS). Also called: ARTHROCUTANEOUVEAL GRANULOMATOSIS; GRANULOMATOSIS, FAMILIAL JUVENILE SYSTEMIC; GRANULOMATOSIS, FAMILIAL, BLAU TYPE; GRANULOMATOUS INFLAMMATORY ARTHRITIS, DERMATITIS, AND UVEITIS, FAMILIAL; JABS SYNDROME. Identifiers: Orphanet 90340, MedGen C5201146, MONDO:0008523, OMIM 186580.
Regional enteritis. Also called: Enteritis, Granulomatous. Identifiers: MedGen C0678202, MeSH D003424.

Allele frequency attached by ClinVar (database versions not stated): gnomAD exomes 0.00002; gnomAD 0.00003 and 0.00004; TOPMed 0.00003.
gnomAD v4.1: 35 of 1,614,064 alleles (0.0022%); highest among the groups gnomAD compares: Non-Finnish European, 0.0027%; no homozygotes.

Submissions (2):

Labcorp Genetics (formerly Invitae), Labcorp
Classification: Uncertain significance for Regional enteritis; Blau syndrome. Last evaluated: 2025-02-10. Review status: criteria provided, single submitter. Criteria: Invitae Variant Classification Sherloc (09022015). Collection method: clinical testing. Allele origin: germline.
Comment: This sequence change replaces arginine, which is basic and polar, with glycine, which is neutral and non-polar, at codon 634 of the NOD2 protein (p.Arg634Gly). This variant is present in population databases (no rsID available, gnomAD 0.007%). This variant has not been reported in the literature in individuals affected with NOD2-related conditions. ClinVar contains an entry for this variant (Variation ID: 1519559). Invitae Evidence Modeling of protein sequence and biophysical properties (such as structural, functional, and spatial information, amino acid conservation, physicochemical variation, residue mobility, and thermodynamic stability) indicates that this missense variant is not expected to disrupt NOD2 protein function with a negative predictive value of 95%. In summary, the available evidence is currently insufficient to determine the role of this variant in disease. Therefore, it has been classified as a Variant of Uncertain Significance.

Blueprint Genetics
Classification: Uncertain significance. Last evaluated: 2024-04-12. Review status: criteria provided, single submitter. Criteria: ACMG Guidelines, 2015. Collection method: clinical testing. Allele origin: germline.

NM_001370466.1(NOD2):c.1819A>G (p.Arg607Gly)

Gene: NOD2 (nucleotide binding oligomerization domain containing 2; plus strand). Cytogenetic location: 16q12.1.
Variant type: single nucleotide variant.
Coding change: c.1819A>G on transcript NM_001370466.1 (MANE Select); coding-DNA position 1819, A replaced by G.
Protein change: p.Arg607Gly; replaces arginine 607 with glycine.
Molecular consequence: missense variant. On other transcripts: non-coding transcript variant (1).
Genome position (GRCh38, 1-based): chr16:50,711,811, A>G. VCF-style: chr16-50711811-A-G. GRCh37 (hg19) VCF-style: chr16-50745722-A-G.
Other names: c.1819A>G, p.Arg607Gly (NM_001293557.2); c.1900A>G, p.Arg634Gly (NM_022162.3); short protein forms R634G, R607G.
Identifiers: ClinVar variation 1519559 (VCV001519559.9), dbSNP rs970949991, ClinGen allele CA281263416.
Genomic context (GRCh38, chr16:50,711,811, plus strand): 5'-TACCTGGCACTCAGTGCTGATGTGCCACCAGCTTTGCTCAGACACCTCTTCAATTGTGGC[A>G]GGCCAGGCAACTCACCAATGGCCAGGCTCCTGCCCACGATGTGCATCCAGGCCTCGGAGG-3'
Protein context (NP_001357395.1, residues 597-617): ALLRHLFNCG[Arg607Gly]PGNSPMARLL